The following is an entry in ClinVar:

NM_017841.4(SDHAF2):c.33del (p.Ser11_Leu12insTer)

Gene: SDHAF2 (succinate dehydrogenase complex assembly factor 2; plus strand). Cytogenetic location: 11q12.2.
Variant type: Deletion.
Coding change: c.33del on transcript NM_017841.4 (MANE Select); coding-DNA position 33, one base deleted (G; older notation c.33delG).
Protein change: p.Ser11_Leu12insTer.
Molecular consequence: frameshift variant.
Genome position (GRCh38, 1-based): chr11:61,430,179, G deleted. VCF-style (leftmost placement, unchanged base first): chr11-61430178-CG-C. GRCh37 (hg19) VCF-style: chr11-61197650-CG-C.
Identifiers: ClinVar variation 1731026 (VCV001731026.2), dbSNP rs2540111054, ClinGen allele CA2580084350.

ClinVar aggregate classification (germline): Uncertain significance (1 of 4 stars; one submission).

Conditions:
Hereditary cancer-predisposing syndrome. Also called: Neoplastic Syndromes, Hereditary; Tumor predisposition; Hereditary Cancer Syndrome; Hereditary neoplastic syndrome. Identifiers: Orphanet 140162, MedGen C0027672, MeSH D009386, MONDO:0015356.

Submission:

Ambry Genetics
Classification: Uncertain significance for Hereditary cancer-predisposing syndrome. Last evaluated: 2022-04-18. Review status: criteria provided, single submitter. Criteria: Ambry Variant Classification Scheme 2023. Collection method: clinical testing. Allele origin: germline.
Comment: The c.33delG variant, located in coding exon 1 of the SDHAF2 gene, results from a deletion of one nucleotide at nucleotide position 33, causing a translational frameshift with a predicted alternate stop codon (p.L12*). The predicted stop codon occurs in the 5&rsquo; end of theSDHAF2 gene. Premature termination codons in the 5&rsquo; end of a gene have been reported to escape nonsense-mediated mRNAdecay and/or lead to re-initiation (Rivas et al. Science. 2015 May 8;348(6235):666-9; Lindeboom et al. Nat Genet. 2016 Oct;48(10):1112-8; Rhee et al. Sci Rep. 2017 May 10;7(1):1653). The exact functional effect of this alteration is unknown. Since supporting evidence is limited at this time, the clinical significance of this alteration remains unclear.